The following is an entry in ClinVar:

ClinVar aggregate classification (germline): Uncertain significance. Review status: criteria provided, multiple submitters, no conflicts (2 of 4 stars). 3 submissions from 3 submitters: Uncertain significance (3). Last evaluated 2025-01-26.

Allele frequency attached by ClinVar (database versions not stated): ExAC 0.00006; TOPMed 0.00015; gnomAD 0.00017 and 0.00020; ESP Exome Variant Server 0.00054.
gnomAD v4.1: 47 of 1,571,510 alleles (0.003%); highest among the groups gnomAD compares: African/African-American, 0.062%; no homozygotes.

Submissions (3):

GeneDx
Classification: Uncertain significance. Last evaluated: 2025-01-26. Review status: criteria provided, single submitter. Criteria: GeneDx Variant Classification Process June 2021. Collection method: clinical testing. Allele origin: germline. Affected: yes.
Comment: In silico analysis indicates that this missense variant does not alter protein structure/function; Has not been previously published as pathogenic or benign to our knowledge

Labcorp Genetics (formerly Invitae), Labcorp
Classification: Uncertain significance. Last evaluated: 2022-10-18. Review status: criteria provided, single submitter. Criteria: Invitae Variant Classification Sherloc (09022015). Collection method: clinical testing. Allele origin: germline.
Comment: This sequence change replaces proline, which is neutral and non-polar, with alanine, which is neutral and non-polar, at codon 71 of the ASAH1 protein (p.Pro71Ala). This variant is present in population databases (rs139826635, gnomAD 0.06%). This variant has not been reported in the literature in individuals affected with ASAH1-related conditions. ClinVar contains an entry for this variant (Variation ID: 284197). Advanced modeling of protein sequence and biophysical properties (such as structural, functional, and spatial information, amino acid conservation, physicochemical variation, residue mobility, and thermodynamic stability) performed at Invitae indicates that this missense variant is not expected to disrupt ASAH1 protein function. In summary, the available evidence is currently insufficient to determine the role of this variant in disease. Therefore, it has been classified as a Variant of Uncertain Significance.

Eurofins Ntd Llc (ga)
Classification: Uncertain significance. Last evaluated: 2015-11-06. Review status: criteria provided, single submitter. Criteria: EGL Classification Definitions 2015. Collection method: clinical testing. Allele origin: germline. Observed: 1 variant allele, 1 heterozygote.

NM_177924.5(ASAH1):c.211C>G (p.Pro71Ala)

Gene: ASAH1 (N-acylsphingosine amidohydrolase 1; minus strand). Cytogenetic location: 8p22.
Variant type: single nucleotide variant.
Coding change: c.211C>G on transcript NM_177924.5 (MANE Select); coding-DNA position 211, C replaced by G.
Protein change: p.Pro71Ala; replaces proline 71 with alanine.
Molecular consequence: missense variant.
Genome position (GRCh38, 1-based): chr8:18,071,305, G>C on the plus strand (C>G on the coding strand, the complement: ASAH1 is on the minus strand). VCF-style: chr8-18071305-G-C. GRCh37 (hg19) VCF-style: chr8-17928814-G-C.
Other names: c.211C>G (NM_177924.3); c.280C>G, p.Pro94Ala (NM_001127505.3); c.16C>G, p.Pro6Ala (NM_001363743.2); c.259C>G, p.Pro87Ala (NM_004315.6); short protein forms P87A, P71A, P6A, P94A.
Identifiers: ClinVar variation 284197 (VCV000284197.8), dbSNP rs139826635, ClinGen allele CA4650982.